The following is an entry in ClinVar:

ClinVar aggregate classification (germline): Uncertain significance (1 of 4 stars; one submission).

gnomAD v4.1: 13 of 1,613,756 alleles (0.00081%); highest among the groups gnomAD compares: Admixed American, 0.0017%; no homozygotes.

Submission:

Labcorp Genetics (formerly Invitae), Labcorp
Classification: Uncertain significance. Last evaluated: 2025-04-13. Review status: criteria provided, single submitter. Criteria: Invitae Variant Classification Sherloc (09022015). Collection method: clinical testing. Allele origin: germline.
Comment: This sequence change replaces threonine, which is neutral and polar, with methionine, which is neutral and non-polar, at codon 230 of the SGMS2 protein (p.Thr230Met). This variant is present in population databases (rs112750446, gnomAD 0.002%). This variant has not been reported in the literature in individuals affected with SGMS2-related conditions. Invitae Evidence Modeling of protein sequence and biophysical properties (such as structural, functional, and spatial information, amino acid conservation, physicochemical variation, residue mobility, and thermodynamic stability) indicates that this missense variant is expected to disrupt SGMS2 protein function with a positive predictive value of 80%. In summary, the available evidence is currently insufficient to determine the role of this variant in disease. Therefore, it has been classified as a Variant of Uncertain Significance.

NM_001375905.1(SGMS2):c.689C>T (p.Thr230Met)

Genes: CYP2U1-AS1 (CYP2U1 and SGMS2 antisense RNA 1; minus strand), SGMS2 (sphingomyelin synthase 2; plus strand). Cytogenetic location: 4q25.
Variant type: single nucleotide variant.
Coding change: c.689C>T on transcript NM_001375905.1 (MANE Select); coding-DNA position 689, C replaced by T.
Protein change: p.Thr230Met; replaces threonine 230 with methionine.
Molecular consequence: missense variant.
Genome position (GRCh38, 1-based): chr4:107,903,348, C>T. VCF-style: chr4-107903348-C-T. GRCh37 (hg19) VCF-style: chr4-108824504-C-T.
Other names: c.689C>T, p.Thr230Met (NM_001136257.2, NM_001136258.2, NM_001375906.1 and 4 more transcripts); c.170C>T, p.Thr57Met (NM_001375911.1); short protein forms T230M, T57M.
Identifiers: ClinVar variation 4763107 (VCV004763107.1).